The following is an entry in ClinVar:

NM_000163.5(GHR):c.1319G>T (p.Cys440Phe)

Gene: GHR (growth hormone receptor; plus strand). Cytogenetic location: 5p12.
Variant type: single nucleotide variant.
Coding change: c.1319G>T on transcript NM_000163.5 (MANE Select); coding-DNA position 1319, G replaced by T.
Protein change: p.Cys440Phe; replaces cysteine 440 with phenylalanine.
Molecular consequence: missense variant. On other transcripts: 3 prime UTR variant (1).
Genome position (GRCh38, 1-based): chr5:42,718,826, G>T. VCF-style: chr5-42718826-G-T. GRCh37 (hg19) VCF-style: chr5-42718928-G-T.
Other names: NM_000163.4(GHR):c.1319G>T(p.Cys440Phe); NM_001242399.2(GHR):c.1340G>T(p.Cys447Phe); NM_001242400.2(GHR):c.1319G>T(p.Cys440Phe); NM_001242401.3(GHR):c.1319G>T(p.Cys440Phe); NM_001242402.2(GHR):c.1319G>T(p.Cys440Phe); NM_001242403.2(GHR):c.1319G>T(p.Cys440Phe); NM_001242404.2(GHR):c.1319G>T(p.Cys440Phe); NM_001242405.2(GHR):c.1319G>T(p.Cys440Phe); and 6 more; short protein forms C440F, C447F, C418F.
Identifiers: ClinVar variation 281095 (VCV000281095.24), dbSNP rs6182, ClinGen allele CA3254634.

ClinVar aggregate classification (germline): Benign/Likely benign. Review status: criteria provided, multiple submitters, no conflicts (2 of 4 stars). 10 submissions from 10 submitters: Benign (6); Likely benign (2). 2 of the submissions do not count toward it. Last evaluated 2026-05-11.

Conditions:
Laron-type isolated somatotropin defect. Also called: GROWTH HORMONE RECEPTOR DEFICIENCY; Laron Syndrome; Growth hormone binding protein deficiency or dysfunction; Growth hormone receptor deficiency or dysfunction; Laron dwarfism; Laron type pituitary dwarfism I. Identifiers: Orphanet 633, MedGen C0271568, MONDO:0009877, OMIM 262500.

Allele frequency attached by ClinVar (database versions not stated): ESP Exome Variant Server 0.00730; gnomAD 0.01122 and 0.01802; TOPMed 0.01604; gnomAD exomes 0.02262 and 0.04039; ExAC 0.04035; 1000 Genomes Project 30x 0.07089; 1000 Genomes Project 0.07528.
gnomAD v4.1: 36,293 of 1,614,006 alleles (2.2%); highest among the groups gnomAD compares: South Asian, 17%; 1,923 homozygotes.

Submissions (19):

Women's Health and Genetics/Laboratory Corporation of America, LabCorp
Classification: Likely benign. Last evaluated: 2026-05-11. Review status: criteria provided, single submitter. Criteria: LabCorp Variant Classification Summary - May 2015. Collection method: clinical testing. Allele origin: germline.

Labcorp Genetics (formerly Invitae), Labcorp
Classification: Benign. Last evaluated: 2026-02-04. Review status: criteria provided, single submitter. Criteria: Invitae Variant Classification Sherloc (09022015). Collection method: clinical testing. Allele origin: germline.

Blueprint Genetics
Classification: Likely benign. Last evaluated: 2024-11-26. Review status: criteria provided, single submitter. Criteria: ACMG Guidelines, 2015. Collection method: clinical testing. Allele origin: germline.

GeneDx
Classification: Benign. Last evaluated: 2021-06-09. Review status: criteria provided, single submitter. Criteria: GeneDx Variant Classification Process June 2021. Collection method: clinical testing. Allele origin: germline. Affected: yes.
Comment: This variant is associated with the following publications: (PMID: 8421103, 20981092, 10566675, 19344888)

SIB Swiss Institute of Bioinformatics
Classification: Benign for Laron-type isolated somatotropin defect. Last evaluated: 2018-05-31. Review status: criteria provided, single submitter. Criteria: ACMG Guidelines, 2015. Collection method: curation. Allele origin: unknown.
Comment: This variant is interpreted as a Benign - Stand Alone, for Laron syndrome, in Autosomal Recessive manner. The following ACMG Tag(s) were applied: BA1 => Allele frequency is >5% in Exome Sequencing Project, 1000 Genomes Project, or Exome Aggregation Consortium. BP4 => Multiple lines of computational evidence suggest no impact on gene or gene product (conservation, evolutionary, splicing impact, etc.).

Illumina Laboratory Services, Illumina
Classification: Benign for Laron-type isolated somatotropin defect. Last evaluated: 2018-03-06. Review status: criteria provided, single submitter. Criteria: ICSL Variant Classification Criteria 13 December 2019. Collection method: clinical testing. Allele origin: germline.
Comment: This variant was observed in the ICSL laboratory as part of a predisposition screen in an ostensibly healthy population. It had not been previously curated by ICSL or reported in the Human Gene Mutation Database (HGMD: prior to June 1st, 2018), and was therefore a candidate for classification through an automated scoring system. Utilizing variant allele frequency, disease prevalence and penetrance estimates, and inheritance mode, an automated score was calculated to assess if this variant is too frequent to cause the disease. Based on the score and internal cut-off values, a variant classified as benign is not then subjected to further curation. The score for this variant resulted in a classification of benign for this disease.

Eurofins Ntd Llc (ga)
Classification: Benign. Last evaluated: 2016-07-14. Review status: criteria provided, single submitter. Criteria: EGL Classification Definitions 2015. Collection method: clinical testing. Allele origin: germline. Observed: 2 variant alleles, 2 heterozygotes.

Breakthrough Genomics
Classification: Benign. Review status: criteria provided, single submitter. Criteria: ACMG Guidelines, 2015. Collection method: not provided. Allele origin: germline. Inheritance: Autosomal recessive inheritance. Affected: yes.

Clinical Genetics DNA and cytogenetics Diagnostics Lab, Erasmus MC, Erasmus Medical Center
Classification: Benign. Review status: no assertion criteria provided. Collection method: clinical testing. Allele origin: germline. Affected: yes. Study: VKGL Data-share Consensus. Not counted in ClinVar's aggregate classification.

Dr. Peter K. Rogan Lab, Western University
No classification provided (evidence only). Condition: Clear cell carcinoma of kidney. Review status: no classification provided. Collection method: in vitro. Allele origin: not applicable. Functional consequence: retained intron. Not counted in ClinVar's aggregate classification.

Dr. Peter K. Rogan Lab, Western University
No classification provided (evidence only). Condition: Lung cancer. Review status: no classification provided. Collection method: in vitro. Allele origin: not applicable. Functional consequence: retained intron. Not counted in ClinVar's aggregate classification.

Dr. Peter K. Rogan Lab, Western University
No classification provided (evidence only). Condition: Thyroid cancer, nonmedullary, 1. Review status: no classification provided. Collection method: in vitro. Allele origin: not applicable. Functional consequence: retained intron. Not counted in ClinVar's aggregate classification.

Dr. Peter K. Rogan Lab, Western University
No classification provided (evidence only). Condition: Cervical cancer. Review status: no classification provided. Collection method: in vitro. Allele origin: not applicable. Functional consequence: retained intron. Not counted in ClinVar's aggregate classification.

Dr. Peter K. Rogan Lab, Western University
No classification provided (evidence only). Condition: Cervical cancer. Review status: no classification provided. Collection method: in vitro. Allele origin: not applicable. Functional consequence: retained intron. Not counted in ClinVar's aggregate classification.

Dr. Peter K. Rogan Lab, Western University
No classification provided (evidence only). Condition: Sarcoma. Review status: no classification provided. Collection method: in vitro. Allele origin: not applicable. Functional consequence: retained intron. Not counted in ClinVar's aggregate classification.

Dr. Peter K. Rogan Lab, Western University
No classification provided (evidence only). Condition: Sarcoma. Review status: no classification provided. Collection method: in vitro. Allele origin: not applicable. Functional consequence: retained intron. Not counted in ClinVar's aggregate classification.

Dr. Peter K. Rogan Lab, Western University
No classification provided (evidence only). Condition: Nonpapillary renal cell carcinoma. Review status: no classification provided. Collection method: in vitro. Allele origin: not applicable. Functional consequence: retained intron. Not counted in ClinVar's aggregate classification.

Dr. Peter K. Rogan Lab, Western University
No classification provided (evidence only). Condition: Thymoma. Review status: no classification provided. Collection method: in vitro. Allele origin: not applicable. Functional consequence: retained intron. Not counted in ClinVar's aggregate classification.

Laboratory of Diagnostic Genome Analysis, Leiden University Medical Center (LUMC)
Classification: Likely benign. Review status: no assertion criteria provided. Collection method: clinical testing. Allele origin: germline. Affected: yes. Study: VKGL Data-share Consensus. Not counted in ClinVar's aggregate classification.

Literature cited by the submitters: PubMed 17957148 (cited by Women's Health and Genetics/Laboratory Corporation of America, LabCorp); PubMed 10566675 (cited by Women's Health and Genetics/Laboratory Corporation of America, LabCorp); PubMed 17785695 (cited by Women's Health and Genetics/Laboratory Corporation of America, LabCorp); PubMed 8853444 (cited by Women's Health and Genetics/Laboratory Corporation of America, LabCorp); PubMed 12423626 (cited by Women's Health and Genetics/Laboratory Corporation of America, LabCorp); PubMed 10762289 (cited by Women's Health and Genetics/Laboratory Corporation of America, LabCorp); PubMed 17547682 (cited by Women's Health and Genetics/Laboratory Corporation of America, LabCorp); PubMed 16213173 (cited by Women's Health and Genetics/Laboratory Corporation of America, LabCorp); PubMed 12910492 (cited by Women's Health and Genetics/Laboratory Corporation of America, LabCorp); PubMed 10102079 (cited by Women's Health and Genetics/Laboratory Corporation of America, LabCorp); PubMed 9255229 (cited by Women's Health and Genetics/Laboratory Corporation of America, LabCorp); PubMed 8664975 (cited by Women's Health and Genetics/Laboratory Corporation of America, LabCorp); PubMed 8076588 (cited by Women's Health and Genetics/Laboratory Corporation of America, LabCorp); PubMed 12181638 (cited by Women's Health and Genetics/Laboratory Corporation of America, LabCorp).